The following is an entry in ClinVar:

ClinVar aggregate classification (germline): Conflicting classifications of pathogenicity. Review status: criteria provided, conflicting classifications (1 of 4 stars). 3 submissions from 3 submitters: Uncertain significance (2); Likely benign (1). Last evaluated 2026-03-18.

Conditions:
Polymicrogyria, perisylvian, with cerebellar hypoplasia and arthrogryposis (NEDSPLB). Identifiers: MedGen C4225295, MONDO:0014679, OMIM 616531.
PI4KA-related disorder. Also called: PI4KA-related condition; PI4KA-related disorders. Identifiers: MedGen CN378147, MONDO:1040012.

gnomAD v4.1: 44 of 1,613,366 alleles (0.0027%); highest among the groups gnomAD compares: East Asian, 0.085%; no homozygotes.

Submissions (3):

GeneDx
Classification: Uncertain significance. Last evaluated: 2026-03-18. Review status: criteria provided, single submitter. Criteria: GeneDx Variant Classification Process June 2021. Collection method: clinical testing. Allele origin: germline.
Comment: Published functional studies suggest a damaging effect on PI4KA kinase activity (PMID: 39885450); Observed with a second variant on the opposite allele (in trans) in a fetus with a suspected colonic obstruction and normal brain MRI (PMID: 39885450); In silico analysis supports that this missense variant has a deleterious effect on protein structure/function; This variant is associated with the following publications: (PMID: 39885450)

Precision Medical Center, Maternal and Child Health Hospital of Hubei Province
Classification: Uncertain significance for Polymicrogyria, perisylvian, with cerebellar hypoplasia and arthrogryposis. Last evaluated: 2024-12-31. Review status: criteria provided, single submitter. Criteria: ACMG Guidelines, 2015. Collection method: clinical testing. Allele origin: maternal. Affected: yes.
Comment: PM2_supporting+PM3+PP2+PP3

PreventionGenetics, part of Exact Sciences
Classification: Likely benign for PI4KA-related condition. Last evaluated: 2024-10-07. Review status: criteria provided, single submitter. Criteria: ACMG Guidelines, 2015. Collection method: clinical testing. Allele origin: germline.
Comment: This variant is classified as likely benign based on ACMG/AMP sequence variant interpretation guidelines (Richards et al. 2015 PMID: 25741868, with internal and published modifications).

NM_058004.4(PI4KA):c.2819C>T (p.Ala940Val)

Gene: PI4KA (phosphatidylinositol 4-kinase alpha; minus strand). Cytogenetic location: 22q11.21.
Variant type: single nucleotide variant.
Coding change: c.2819C>T on transcript NM_058004.4 (MANE Select); coding-DNA position 2819, C replaced by T.
Protein change: p.Ala940Val; replaces alanine 940 with valine.
Molecular consequence: missense variant.
Genome position (GRCh38, 1-based): chr22:20,753,153, G>A on the plus strand (C>T on the coding strand, the complement: PI4KA is on the minus strand). VCF-style: chr22-20753153-G-A. GRCh37 (hg19) VCF-style: chr22-21107441-G-A.
Other names: c.2819C>T, p.Ala940Val (NM_001362862.2); c.2753C>T, p.Ala918Val (NM_001362863.2); short protein forms A940V, A918V.
Identifiers: ClinVar variation 3544367 (VCV003544367.4).